The following is an entry in ClinVar:

ClinVar aggregate classification (germline): Pathogenic (1 of 4 stars; one submission).

Conditions:
LAMA2-related muscular dystrophy (LAMA2-RD). Also called: Laminin alpha 2-related dystrophy. Identifiers: MedGen C5679788, MONDO:0100228.

Submission:

Labcorp Genetics (formerly Invitae), Labcorp
Classification: Pathogenic for LAMA2-related muscular dystrophy. Last evaluated: 2023-08-09. Review status: criteria provided, single submitter. Criteria: Invitae Variant Classification Sherloc (09022015). Collection method: clinical testing. Allele origin: germline.
Comment: For these reasons, this variant has been classified as Pathogenic. This variant has not been reported in the literature in individuals affected with LAMA2-related conditions. This variant is not present in population databases (gnomAD no frequency). This sequence change creates a premature translational stop signal (p.Tyr544*) in the LAMA2 gene. It is expected to result in an absent or disrupted protein product. Loss-of-function variants in LAMA2 are known to be pathogenic (PMID: 18700894, 32904964).

Literature cited by the submitters: PubMed 18700894; PubMed 32904964.

NM_000426.4(LAMA2):c.1632T>A (p.Tyr544Ter)

Gene: LAMA2 (laminin subunit alpha 2; plus strand). Cytogenetic location: 6q22.33.
Variant type: single nucleotide variant.
Coding change: c.1632T>A on transcript NM_000426.4 (MANE Select); coding-DNA position 1632, T replaced by A.
Protein change: p.Tyr544Ter; replaces tyrosine 544 with a stop codon.
Molecular consequence: nonsense.
Genome position (GRCh38, 1-based): chr6:129,192,703, T>A. VCF-style: chr6-129192703-T-A. GRCh37 (hg19) VCF-style: chr6-129513848-T-A.
Other names: c.1632T>A, p.Tyr544Ter (NM_001079823.2); short protein forms Y544*.
Identifiers: ClinVar variation 2751356 (VCV002751356.3), dbSNP rs2482776142, ClinGen allele CA365608142.